The following is an entry in ClinVar:

NM_018486.3(HDAC8):c.169G>A (p.Val57Ile)

Gene: HDAC8 (histone deacetylase 8; minus strand). Cytogenetic location: Xq13.1.
Variant type: single nucleotide variant.
Coding change: c.169G>A on transcript NM_018486.3 (MANE Select); coding-DNA position 169, G replaced by A.
Protein change: p.Val57Ile; replaces valine 57 with isoleucine.
Molecular consequence: missense variant. On other transcripts: non-coding transcript variant (1), intron variant (2).
Genome position (GRCh38, 1-based): chrX:72,568,880, C>T on the plus strand (G>A on the coding strand, the complement: HDAC8 is on the minus strand). VCF-style: chrX-72568880-C-T. GRCh37 (hg19) VCF-style: chrX-71788730-C-T.
Other names: c.169G>A, p.Val57Ile (NM_001166419.2, NM_001166420.2, NM_001166422.2); c.164+3177G>A (NM_001166418.2, NM_001166448.2); short protein forms V57I.
Identifiers: ClinVar variation 705138 (VCV000705138.28), dbSNP rs200737947, ClinGen allele CA10450317.

ClinVar aggregate classification (germline): Benign/Likely benign. Review status: criteria provided, multiple submitters, no conflicts (2 of 4 stars). 2 submissions from 2 submitters: Benign (1); Likely benign (1). Last evaluated 2025-10-16.

Conditions:
Cornelia de Lange syndrome 5 (CDLS5). Also called: HDAC8-Related Cornelia de Lange Syndrome. Identifiers: Orphanet 199, MedGen C3550903, MONDO:0010471, OMIM 300882.

Allele frequency attached by ClinVar (database versions not stated): TOPMed 0.00003; gnomAD 0.00006 and 0.00007; gnomAD exomes 0.00010 and 0.00023; ExAC 0.00030.
gnomAD v4.1: 125 of 1,206,613 alleles (0.01%); highest among the groups gnomAD compares: Non-Finnish European, 0.0076%; no homozygotes.

Submissions (2):

Labcorp Genetics (formerly Invitae), Labcorp
Classification: Benign for Cornelia de Lange syndrome 5. Last evaluated: 2025-10-16. Review status: criteria provided, single submitter. Criteria: Invitae Variant Classification Sherloc (09022015). Collection method: clinical testing. Allele origin: germline.

CeGaT Center for Human Genetics Tuebingen
Classification: Likely benign. Last evaluated: 2024-03-01. Review status: criteria provided, single submitter. Criteria: CeGaT Center For Human Genetics Tuebingen Variant Classification Criteria Version 2. Collection method: clinical testing. Allele origin: germline. Affected: yes. Observed: 1 variant allele.
Comment: HDAC8: BS2